The following is an entry in ClinVar:

NM_018063.5(HELLS):c.116C>G (p.Ala39Gly)

Gene: HELLS (helicase, lymphoid specific; plus strand). Cytogenetic location: 10q23.33.
Variant type: single nucleotide variant.
Coding change: c.116C>G on transcript NM_018063.5 (MANE Select); coding-DNA position 116, C replaced by G.
Protein change: p.Ala39Gly; replaces alanine 39 with glycine.
Molecular consequence: missense variant. On other transcripts: 5 prime UTR variant (4).
Genome position (GRCh38, 1-based): chr10:94,546,461, C>G. VCF-style: chr10-94546461-C-G. GRCh37 (hg19) VCF-style: chr10-96306218-C-G.
Other names: c.116C>G, p.Ala39Gly (NM_001289067.2, NM_001289069.2, NM_001289070.2 and 1 more transcripts); c.68C>G, p.Ala23Gly (NM_001289068.2); c.-301C>G (NM_001289071.2); c.-234C>G (NM_001289073.2); c.-887C>G (NM_001289074.2); c.-906C>G (NM_001289075.2); short protein forms A39G, A23G.
Identifiers: ClinVar variation 2173515 (VCV002173515.4), dbSNP rs75480462, ClinGen allele CA211665623.

ClinVar aggregate classification (germline): Uncertain significance (1 of 4 stars; one submission).

Allele frequency attached by ClinVar (database versions not stated): gnomAD exomes below 0.00001; gnomAD 0.00001; TOPMed 0.00001.
gnomAD v4.1: 10 of 1,614,034 alleles (0.00062%); highest among the groups gnomAD compares: East Asian, 0.0067%; no homozygotes.

Submission:

Labcorp Genetics (formerly Invitae), Labcorp
Classification: Uncertain significance. Last evaluated: 2022-04-25. Review status: criteria provided, single submitter. Criteria: Invitae Variant Classification Sherloc (09022015). Collection method: clinical testing. Allele origin: germline.
Comment: This variant has not been reported in the literature in individuals affected with HELLS-related conditions. This variant is present in population databases (rs75480462, gnomAD 0.01%). This sequence change replaces alanine, which is neutral and non-polar, with glycine, which is neutral and non-polar, at codon 39 of the HELLS protein (p.Ala39Gly). Algorithms developed to predict the effect of missense changes on protein structure and function (SIFT, PolyPhen-2, Align-GVGD) all suggest that this variant is likely to be tolerated. In summary, the available evidence is currently insufficient to determine the role of this variant in disease. Therefore, it has been classified as a Variant of Uncertain Significance.